The following is an entry in ClinVar:

NM_002528.7(NTHL1):c.52G>A (p.Gly18Arg)

Gene: NTHL1 (nth like DNA glycosylase 1; minus strand). Cytogenetic location: 16p13.3.
Variant type: single nucleotide variant.
Coding change: c.52G>A on transcript NM_002528.7 (MANE Select); coding-DNA position 52, G replaced by A.
Protein change: p.Gly18Arg; replaces glycine 18 with arginine.
Molecular consequence: missense variant. On other transcripts: 5 prime UTR variant (1).
Genome position (GRCh38, 1-based): chr16:2,047,772, C>T on the plus strand (G>A on the coding strand, the complement: NTHL1 is on the minus strand). VCF-style: chr16-2047772-C-T. GRCh37 (hg19) VCF-style: chr16-2097773-C-T.
Other names: c.52G>A, p.Gly18Arg (NM_001318193.2); c.-127G>A (NM_001318194.2); c.76G>A (NM_002528.5); short protein forms G18R.
Identifiers: ClinVar variation 965355 (VCV000965355.9), dbSNP rs1456331577, ClinGen allele CA394298491.

ClinVar aggregate classification (germline): Uncertain significance. Review status: criteria provided, multiple submitters, no conflicts (2 of 4 stars). 2 submissions from 2 submitters: Uncertain significance (2). Last evaluated 2026-07-21.

Conditions:
Hereditary cancer-predisposing syndrome. Also called: Neoplastic Syndromes, Hereditary; Hereditary Cancer Syndrome; Tumor predisposition; Hereditary neoplastic syndrome. Identifiers: Orphanet 140162, MedGen C0027672, MeSH D009386, MONDO:0015356.

Allele frequency attached by ClinVar (database versions not stated): TOPMed below 0.00001.

Submissions (2):

Ambry Genetics
Classification: Uncertain significance for Hereditary cancer-predisposing syndrome. Last evaluated: 2026-07-21. Review status: criteria provided, single submitter. Criteria: Ambry Variant Classification Scheme 2023. Collection method: clinical testing. Allele origin: germline.
Comment: The p.G26R variant (also known as c.76G>A), located in coding exon 1 of the NTHL1 gene, results from a G to A substitution at nucleotide position 76. The glycine at codon 26 is replaced by arginine, an amino acid with dissimilar properties. This amino acid position is conserved. In addition, this alteration is predicted to be tolerated by in silico analysis. Based on the available evidence, the clinical significance of this variant remains unclear.

Labcorp Genetics (formerly Invitae), Labcorp
Classification: Uncertain significance. Last evaluated: 2024-03-19. Review status: criteria provided, single submitter. Criteria: Invitae Variant Classification Sherloc (09022015). Collection method: clinical testing. Allele origin: germline.
Comment: This sequence change replaces glycine, which is neutral and non-polar, with arginine, which is basic and polar, at codon 26 of the NTHL1 protein (p.Gly26Arg). This variant is not present in population databases (gnomAD no frequency). This variant has not been reported in the literature in individuals affected with NTHL1-related conditions. ClinVar contains an entry for this variant (Variation ID: 965355). Algorithms developed to predict the effect of missense changes on protein structure and function output the following: SIFT: "Not Available"; PolyPhen-2: "Benign"; Align-GVGD: "Not Available". The arginine amino acid residue is found in multiple mammalian species, which suggests that this missense change does not adversely affect protein function. In summary, the available evidence is currently insufficient to determine the role of this variant in disease. Therefore, it has been classified as a Variant of Uncertain Significance.